The following is an entry in ClinVar:

ClinVar aggregate classification (germline): Conflicting classifications of pathogenicity. Review status: criteria provided, conflicting classifications (1 of 4 stars). 2 submissions from 2 submitters: Uncertain significance (1); Likely benign (1). Last evaluated 2025-06-30.

Conditions:
Long QT syndrome (LQTS). Identifiers: MedGen C0023976, MeSH D008133, MONDO:0002442. Disease mechanism: loss of function. Inheritance: Various modes of inheritance.
Cardiovascular phenotype. Identifiers: MedGen CN230736.

Allele frequency attached by ClinVar (database versions not stated): gnomAD exomes 0.00001; TOPMed 0.00003; ExAC 0.00004; gnomAD 0.00004; ESP Exome Variant Server 0.00008.
gnomAD v4.1: 20 of 1,586,290 alleles (0.0013%); highest among the groups gnomAD compares: Admixed American, 0.0067%; no homozygotes.

Submissions (2):

Labcorp Genetics (formerly Invitae), Labcorp
Classification: Uncertain significance for Long QT syndrome. Last evaluated: 2025-06-30. Review status: criteria provided, single submitter. Criteria: Invitae Variant Classification Sherloc (09022015). Collection method: clinical testing. Allele origin: germline.
Comment: This sequence change replaces asparagine, which is neutral and polar, with serine, which is neutral and polar, at codon 1320 of the AKAP9 protein (p.Asn1320Ser). This variant is present in population databases (rs370061409, gnomAD 0.009%). This variant has not been reported in the literature in individuals affected with AKAP9-related conditions. ClinVar contains an entry for this variant (Variation ID: 1736487). An algorithm developed to predict the effect of missense changes on protein structure and function outputs the following: PolyPhen-2: "Benign". The serine amino acid residue is found in multiple mammalian species, which suggests that this missense change does not adversely affect protein function. In summary, the available evidence is currently insufficient to determine the role of this variant in disease. Therefore, it has been classified as a Variant of Uncertain Significance.

Ambry Genetics
Classification: Likely benign for Cardiovascular phenotype. Last evaluated: 2024-11-13. Review status: criteria provided, single submitter. Criteria: Ambry Variant Classification Scheme 2023. Collection method: clinical testing. Allele origin: germline.

NM_005751.5(AKAP9):c.3959A>G (p.Asn1320Ser)

Gene: AKAP9 (A-kinase anchoring protein 9; plus strand). Cytogenetic location: 7q21.2.
Variant type: single nucleotide variant.
Coding change: c.3959A>G on transcript NM_005751.5 (MANE Select); coding-DNA position 3959, A replaced by G.
Protein change: p.Asn1320Ser; replaces asparagine 1320 with serine.
Molecular consequence: missense variant.
Genome position (GRCh38, 1-based): chr7:92,022,820, A>G. VCF-style: chr7-92022820-A-G. GRCh37 (hg19) VCF-style: chr7-91652134-A-G.
Other names: c.3959A>G, p.Asn1320Ser (NM_147185.3); short protein forms N1320S.
Identifiers: ClinVar variation 1736487 (VCV001736487.8), dbSNP rs370061409, ClinGen allele CA4336451.